The following is an entry in ClinVar:

ClinVar aggregate classification (germline): Uncertain significance. Review status: criteria provided, multiple submitters, no conflicts (2 of 4 stars). 2 submissions from 2 submitters: Uncertain significance (2). Last evaluated 2026-09-25.

Conditions:
Intellectual developmental disorder, X-linked, syndromic 35. Also called: Intellectual disability, X-linked, syndromic, 35. Identifiers: MedGen C4478383, MONDO:0030908, OMIM 300998.

Submissions (2):

GeneDx
Classification: Uncertain significance. Last evaluated: 2026-09-25. Review status: criteria provided, single submitter. Criteria: GeneDx Variant Classification Process June 2021. Collection method: clinical testing. Allele origin: germline.
Comment: Not observed at significant frequency in large population cohorts (gnomAD); In silico analysis supports that this missense variant has a deleterious effect on protein structure/function; In silico analysis suggests this variant may impact gene splicing. In the absence of RNA/functional studies, the actual effect of this sequence change is unknown.; Has not been previously reported in peer-reviewed literature as pathogenic or benign to our knowledge.; In an abstract by Laco et al., (2019), this variant was reported as segregating with a neurodevelopmental phenotype with variable additional features in two unrelated families ( Mrio Lao et al. (2019) Medicine (Baltimore). 98 (26):13 PMC6620740); However, in an abstract by Boussard and Ugrasbul-Eksinar (2019), this variant was reported as hemizygous in a patient with intellectual disability with short stature, hypogonadotropic hypogonadism, microcephaly, developmental delay, intellectual disability, and abnormal gait; this indivdual also had a variant in the CUL4B gene (J Endocr Soc. 2019 Apr 15; 3(Suppl 1): SAT-287; PMC6552257); This variant is associated with the following publications: (PMID: Mario2019[abstract], Julie2019[article])

Juno Genomics, Hangzhou Juno Genomics, Inc
Classification: Uncertain significance for Intellectual developmental disorder, X-linked, syndromic 35. Review status: criteria provided, single submitter. Criteria: ACMG Guidelines, 2015. Collection method: clinical testing. Allele origin: germline. Affected: yes.
Comment: Absent from controls (or at extremely low frequency if recessive) in Genome Aggregation Database, Exome Sequencing Project, 1000 Genomes Project, or Exome Aggregation Consortium.;Multiple lines of computational evidence support a deleterious effect on the gene or gene product (conservation, evolutionary, splicing impact, etc).

NM_006013.5(RPL10):c.218A>G (p.Asn73Ser)

Gene: RPL10 (ribosomal protein L10; plus strand). Cytogenetic location: Xq28.
Variant type: single nucleotide variant.
Coding change: c.218A>G on transcript NM_006013.5 (MANE Select); coding-DNA position 218, A replaced by G.
Protein change: p.Asn73Ser; replaces asparagine 73 with serine.
Molecular consequence: missense variant.
Genome position (GRCh38, 1-based): chrX:154,399,830, A>G. VCF-style: chrX-154399830-A-G. GRCh37 (hg19) VCF-style: chrX-153628171-A-G.
Other names: c.218A>G, p.Asn73Ser (NM_001303625.1, NM_001303626.1, NM_001256577.2 and 1 more transcripts); c.110A>G, p.Asn37Ser (NM_001256580.2); short protein forms N37S, N73S.
Identifiers: ClinVar variation 3340698 (VCV003340698.4).